The following is an entry in ClinVar:

NM_000362.5(TIMP3):c.*615C>T

Genes: SYN3 (synapsin III; minus strand), TIMP3 (TIMP metallopeptidase inhibitor 3; plus strand). Cytogenetic location: 22q12.3.
Variant type: single nucleotide variant.
Coding change: c.*615C>T on transcript NM_000362.5 (MANE Select); 615 bases downstream of the stop codon, C replaced by T.
Molecular consequence: 3 prime UTR variant. On other transcripts: intron variant (7).
Genome position (GRCh38, 1-based): chr22:32,859,992, C>T. VCF-style: chr22-32859992-C-T. GRCh37 (hg19) VCF-style: chr22-33255979-C-T.
Other names: c.708+4923G>A (NM_001369909.1, NM_001135774.2, NM_001369910.1); c.711+4923G>A (NM_001369907.1, NM_003490.4, NM_001369908.1 and 1 more transcripts).
Identifiers: ClinVar variation 341356 (VCV000341356.5), dbSNP rs561679756, ClinGen allele CA10651158.

ClinVar aggregate classification (germline): Benign (1 of 4 stars; one submission).

Conditions:
Sorsby fundus dystrophy (SFD). Also called: MACULAR DYSTROPHY, HEMORRHAGIC; Sorsby fundus dystrophy, Lavia type; FUNDUS DYSTROPHY, PSEUDOINFLAMMATORY, OF SORSBY. Identifiers: Orphanet 59181, MedGen C1850938, MONDO:0007640, OMIM 136900.

Allele frequency attached by ClinVar (database versions not stated): gnomAD 0.00014 and 0.00020; TOPMed 0.00015; 1000 Genomes Project 0.00060; 1000 Genomes Project 30x 0.00094.

Submission:

Illumina Laboratory Services, Illumina
Classification: Benign for Sorsby fundus dystrophy. Last evaluated: 2018-01-12. Review status: criteria provided, single submitter. Criteria: ICSL Variant Classification Criteria 13 December 2019. Collection method: clinical testing. Allele origin: germline.
Comment: This variant was observed in the ICSL laboratory as part of a predisposition screen in an ostensibly healthy population. It had not been previously curated by ICSL or reported in the Human Gene Mutation Database (HGMD: prior to June 1st, 2018), and was therefore a candidate for classification through an automated scoring system. Utilizing variant allele frequency, disease prevalence and penetrance estimates, and inheritance mode, an automated score was calculated to assess if this variant is too frequent to cause the disease. Based on the score and internal cut-off values, a variant classified as benign is not then subjected to further curation. The score for this variant resulted in a classification of benign for this disease.